The following is an entry in ClinVar:

ClinVar aggregate classification (germline): Benign/Likely benign. Review status: criteria provided, multiple submitters, no conflicts (2 of 4 stars). 3 submissions from 3 submitters: Benign (1); Likely benign (2). Last evaluated 2025-03-28.

Conditions:
Hereditary cancer-predisposing syndrome. Also called: Tumor predisposition; Hereditary Cancer Syndrome; Hereditary neoplastic syndrome; Neoplastic Syndromes, Hereditary. Identifiers: Orphanet 140162, MedGen C0027672, MeSH D009386, MONDO:0015356.
Peutz-Jeghers syndrome (PJS). Also called: POLYPOSIS, HAMARTOMATOUS INTESTINAL; POLYPS-AND-SPOTS SYNDROME; Peutz-Jeghers polyposis; Periorificial lentiginosis syndrome. Identifiers: Orphanet 2869, MedGen C0031269, MeSH D010580, MONDO:0008280, OMIM 175200.

Allele frequency attached by ClinVar (database versions not stated): gnomAD exomes below 0.00001; TOPMed below 0.00001; ESP Exome Variant Server 0.00008.
gnomAD v4.1: 1 of 1,610,350 alleles (0.000062%); highest among the groups gnomAD compares: Non-Finnish European, 0.000085%; no homozygotes.

Submissions (3):

Myriad Genetics, Inc.
Classification: Benign for Peutz-Jeghers syndrome. Last evaluated: 2025-03-28. Review status: criteria provided, single submitter. Criteria: Myriad Autosomal Dominant, Autosomal Recessive and X-Linked Classification Criteria (2023). Collection method: clinical testing. Allele origin: unknown.
Comment: This variant is considered benign. This variant is a silent/synonymous amino acid change and it is not expected to impact splicing.

Labcorp Genetics (formerly Invitae), Labcorp
Classification: Likely benign for Peutz-Jeghers syndrome. Last evaluated: 2018-09-10. Review status: criteria provided, single submitter. Criteria: Invitae Variant Classification Sherloc (09022015). Collection method: clinical testing. Allele origin: germline.

Ambry Genetics
Classification: Likely benign for Hereditary cancer-predisposing syndrome. Last evaluated: 2016-05-20. Review status: criteria provided, single submitter. Criteria: Ambry Variant Classification Scheme 2023. Collection method: clinical testing. Allele origin: germline.

NM_000455.5(STK11):c.1170G>A (p.Val390=)

Gene: STK11 (serine/threonine kinase 11; plus strand). Cytogenetic location: 19p13.3.
Variant type: single nucleotide variant.
Coding change: c.1170G>A on transcript NM_000455.5 (MANE Select); coding-DNA position 1170, G replaced by A.
Protein change: p.Val390=; no amino-acid change (valine 390 retained).
Molecular consequence: synonymous variant.
Genome position (GRCh38, 1-based): chr19:1,226,515, G>A. VCF-style: chr19-1226515-G-A. GRCh37 (hg19) VCF-style: chr19-1226514-G-A.
Identifiers: ClinVar variation 183920 (VCV000183920.14), dbSNP rs367911165, ClinGen allele CA022403.